The following is an entry in ClinVar:

NM_004484.4(GPC3):c.719T>A (p.Ile240Asn)

Gene: GPC3 (glypican 3; minus strand). Cytogenetic location: Xq26.2.
Variant type: single nucleotide variant.
Coding change: c.719T>A on transcript NM_004484.4 (MANE Select); coding-DNA position 719, T replaced by A.
Protein change: p.Ile240Asn; replaces isoleucine 240 with asparagine.
Molecular consequence: missense variant.
Genome position (GRCh38, 1-based): chrX:133,753,795, A>T on the plus strand (T>A on the coding strand, the complement: GPC3 is on the minus strand). VCF-style: chrX-133753795-A-T. GRCh37 (hg19) VCF-style: chrX-132887822-A-T.
Other names: c.719T>A, p.Ile240Asn (NM_001164617.2); c.671T>A, p.Ile224Asn (NM_001164618.2); c.557T>A, p.Ile186Asn (NM_001164619.2); short protein forms I186N, I224N, I240N.
Identifiers: ClinVar variation 2756168 (VCV002756168.3), dbSNP rs2521355551, ClinGen allele CA414706011.
Genomic context (GRCh38, chrX:133,753,795, plus strand): 5'-CACATTCTGGTGAGCATTCGGCCACAGTCCTTACTGAACTTCAGGTGATCAGTTGTGTTG[A>T]TCACTTCAATTCCAAGATTCAGAGCCTGAAGGAAGATCCTAGTGACTTGCAGTGACTTGG-3'
Protein context (NP_004475.1, residues 230-250): LQALNLGIEV[Ile240Asn]NTTDHLKFSK

ClinVar aggregate classification (germline): Uncertain significance (1 of 4 stars; one submission).

Conditions:
Wilms tumor 1 (WT1). Also called: Wilms tumor, somatic. Identifiers: Orphanet 654, MedGen CN033288, MONDO:0008679, OMIM 194070.

Submission:

Labcorp Genetics (formerly Invitae), Labcorp
Classification: Uncertain significance for Wilms tumor 1. Last evaluated: 2023-08-28. Review status: criteria provided, single submitter. Criteria: Invitae Variant Classification Sherloc (09022015). Collection method: clinical testing. Allele origin: germline.
Comment: This variant has not been reported in the literature in individuals affected with GPC3-related conditions. This variant is not present in population databases (gnomAD no frequency). This sequence change replaces isoleucine, which is neutral and non-polar, with asparagine, which is neutral and polar, at codon 240 of the GPC3 protein (p.Ile240Asn). Advanced modeling of protein sequence and biophysical properties (such as structural, functional, and spatial information, amino acid conservation, physicochemical variation, residue mobility, and thermodynamic stability) performed at Invitae indicates that this missense variant is expected to disrupt GPC3 protein function. In summary, the available evidence is currently insufficient to determine the role of this variant in disease. Therefore, it has been classified as a Variant of Uncertain Significance.